The following is an entry in ClinVar:

NM_000238.4(KCNH2):c.2665T>G (p.Leu889Val)

Gene: KCNH2 (potassium voltage-gated channel subfamily H member 2; minus strand). Cytogenetic location: 7q36.1.
Variant type: single nucleotide variant.
Coding change: c.2665T>G on transcript NM_000238.4 (MANE Select); coding-DNA position 2665, T replaced by G.
Protein change: p.Leu889Val; replaces leucine 889 with valine.
Molecular consequence: missense variant.
Genome position (GRCh38, 1-based): chr7:150,948,471, A>C on the plus strand (T>G on the coding strand, the complement: KCNH2 is on the minus strand). VCF-style: chr7-150948471-A-C. GRCh37 (hg19) VCF-style: chr7-150645559-A-C.
Other names: p.L889V:TTG>GTG; c.1645T>G, p.Leu549Val (NM_172057.3); short protein forms L549V, L889V.
Identifiers: ClinVar variation 200475 (VCV000200475.27), dbSNP rs765427343, ClinGen allele CA007102.

ClinVar aggregate classification (germline): Conflicting classifications of pathogenicity. Review status: criteria provided, conflicting classifications (1 of 4 stars). 7 submissions from 7 submitters: Uncertain significance (4); Likely benign (3). Last evaluated 2026-01-28.

Conditions:
Cardiac arrhythmia. Also called: Cardiac rhythm disease; Arrhythmia. Identifiers: MedGen C0003811, MONDO:0007263, HP:0011675.
Cardiovascular phenotype. Identifiers: MedGen CN230736.
Long QT syndrome 2 (LQT2). Identifiers: Orphanet 101016, Orphanet 768, MedGen C3150943, MONDO:0013367, OMIM 613688.
Short QT syndrome type 1. Identifiers: Orphanet 51083, MedGen C1865020, MONDO:0012312, OMIM 609620.
Long QT syndrome (LQTS). Identifiers: MedGen C0023976, MeSH D008133, MONDO:0002442. Disease mechanism: loss of function. Inheritance: Various modes of inheritance.

Allele frequency attached by ClinVar (database versions not stated): gnomAD 0.00005 and 0.00004; TOPMed 0.00005.
gnomAD v4.1: 65 of 1,611,024 alleles (0.004%); highest among the groups gnomAD compares: Non-Finnish European, 0.00085%; no homozygotes.

Submissions (7):

Labcorp Genetics (formerly Invitae), Labcorp
Classification: Likely benign for Long QT syndrome. Last evaluated: 2026-01-28. Review status: criteria provided, single submitter. Criteria: Invitae Variant Classification Sherloc (09022015). Collection method: clinical testing. Allele origin: germline.

Color Diagnostics, LLC DBA Color Health
Classification: Likely benign for Cardiac arrhythmia. Last evaluated: 2025-03-24. Review status: criteria provided, single submitter. Criteria: ACMG Guidelines, 2015. Collection method: clinical testing. Allele origin: germline.

All of Us Research Program, National Institutes of Health
Classification: Uncertain significance for Long QT syndrome. Last evaluated: 2024-09-24. Review status: criteria provided, single submitter. Criteria: ACMG Guidelines, 2015. Collection method: clinical testing. Allele origin: germline. Inheritance: Autosomal dominant inheritance. Observed: 33 variant alleles, 33 heterozygotes.
Comment: This missense variant replaces leucine with valine at codon 889 of the KCNH2 protein. Computational prediction is inconclusive regarding the impact of this variant on protein structure and function (internally defined REVEL score threshold 0.5 < inconclusive < 0.7, PMID: 27666373). To our knowledge, functional studies have not been performed for this variant. This variant has not been reported in individuals affected with cardiovascular disorders in the literature. This variant has been identified in 22/279536 chromosomes in the general population by the Genome Aggregation Database (gnomAD). The available evidence is insufficient to determine the role of this variant in disease conclusively. Therefore, this variant is classified as a Variant of Uncertain Significance.

This study involves interpretation of variants in research participants for the purpose of population health screening. Participant phenotype was not available at the time of variant classification. Additional details can be found in publication PMID: 35346344, PMCID: PMC8962531

Fulgent Genetics
Classification: Uncertain significance for Short QT syndrome type 1; Long QT syndrome 2. Last evaluated: 2024-04-24. Review status: criteria provided, single submitter. Criteria: ACMG Guidelines, 2015. Collection method: clinical testing. Allele origin: germline.

Ambry Genetics
Classification: Likely benign for Cardiovascular phenotype. Last evaluated: 2020-02-05. Review status: criteria provided, single submitter. Criteria: Ambry Variant Classification Scheme 2023. Collection method: clinical testing. Allele origin: germline.

GeneDx
Classification: Uncertain significance. Last evaluated: 2018-07-23. Review status: criteria provided, single submitter. Criteria: GeneDx Variant Classification (06012015). Collection method: clinical testing. Allele origin: germline. Affected: yes.
Comment: The L889V variant of uncertain significance in the KCNH2 gene has not been published as pathogenic or been reported as benign to our knowledge. This variant has been identified independently and/or in conjunction with additional cardiogenetic variants in several unrelated individuals referred for genetic testing at GeneDx. So far, segregation data is limited or absent for these individuals. The L889V variant is observed in 21/273922 (0.01%) alleles from individuals of multiple ethnic backgrounds in large population cohorts (Lek et al., 2016). The L889V variant is a conservative amino acid substitution, which is not likely to impact secondary protein structure as these residues share similar properties. In-silico analyses, including protein predictors and evolutionary conservation, support that this variant does not alter protein structure/function. Therefore, based on the currently available information, it is unclear whether this variant is pathogenic or rare benign.

Stanford Center for Inherited Cardiovascular Disease, Stanford University
Classification: Uncertain significance. Last evaluated: 2017-01-18. Review status: criteria provided, single submitter. Criteria: ACMG Guidelines, 2015. Collection method: provider interpretation. Allele origin: germline.